The following is an entry in ClinVar:

ClinVar aggregate classification (germline): Pathogenic/Likely pathogenic. Review status: criteria provided, multiple submitters, no conflicts (2 of 4 stars). 2 submissions from 2 submitters: Pathogenic (1); Likely pathogenic (1). Last evaluated 2025-09-29.

Submissions (2):

GeneDx
Classification: Likely pathogenic. Last evaluated: 2025-09-29. Review status: criteria provided, single submitter. Criteria: GeneDx Variant Classification Process June 2021. Collection method: clinical testing. Allele origin: germline.
Comment: Frameshift variant predicted to result in protein truncation or nonsense mediated decay in a gene for which loss of function is a known mechanism of disease; Observed in large population cohorts (gnomAD; internal data); Has not been previously published as pathogenic or benign to our knowledge

Labcorp Genetics (formerly Invitae), Labcorp
Classification: Pathogenic. Last evaluated: 2022-08-12. Review status: criteria provided, single submitter. Criteria: Invitae Variant Classification Sherloc (09022015). Collection method: clinical testing. Allele origin: germline.
Comment: This sequence change creates a premature translational stop signal (p.Arg117Phefs*8) in the DNM1L gene. It is expected to result in an absent or disrupted protein product. Loss-of-function variants in DNM1L are known to be pathogenic (PMID: 26825290, 27328748). This variant is present in population databases (rs746096174, gnomAD 0.007%). This variant has not been reported in the literature in individuals affected with DNM1L-related conditions. For these reasons, this variant has been classified as Pathogenic.

Literature cited by the submitters: PubMed 26825290 (cited by Labcorp Genetics (formerly Invitae), Labcorp); PubMed 27328748 (cited by Labcorp Genetics (formerly Invitae), Labcorp).

NM_012062.5(DNM1L):c.349_352del (p.Arg117fs)

Gene: DNM1L (dynamin 1L; plus strand). Cytogenetic location: 12p11.21.
Variant type: Microsatellite.
Coding change: c.349_352del on transcript NM_012062.5 (MANE Select); coding-DNA positions 349 to 352, 4 bases deleted (AGAA; older notation c.349_352delAGAA).
Protein change: p.Arg117fs; shifts the reading frame from arginine 117.
Molecular consequence: frameshift variant. On other transcripts: intron variant (1).
Genome position (GRCh38, 1-based): chr12:32,708,204-32,708,207, AGAA deleted; deleting any 4 consecutive bases within chr12:32,708,200-32,708,207 gives the same sequence; the c. name uses the placement nearest the transcript's 3' end. VCF-style (leftmost placement, unchanged base first): chr12-32708199-CAGAA-C. GRCh37 (hg19) VCF-style: chr12-32861133-CAGAA-C.
Other names: c.349_352del, p.Arg117fs (NM_001278463.2, NM_005690.5, NM_012063.4); c.388_391del, p.Arg130fs (NM_001278464.2, NM_001278465.2, NM_001330380.2); c.131+791_131+794del (NM_001278466.2); c.349_352del (NM_012062.3); short protein forms R117fs, R130fs.
Identifiers: ClinVar variation 2118991 (VCV002118991.6), dbSNP rs746096174, ClinGen allele CA6507319.